The following is an entry in ClinVar:

ClinVar aggregate classification (germline): Uncertain significance (1 of 4 stars; one submission).

Allele frequency attached by ClinVar (database versions not stated): TOPMed below 0.00001; gnomAD 0.00001; gnomAD exomes 0.00001.
gnomAD v4.1: 15 of 1,614,014 alleles (0.00093%); highest among the groups gnomAD compares: Non-Finnish European, 0.0013%; no homozygotes.

Submission:

Labcorp Genetics (formerly Invitae), Labcorp
Classification: Uncertain significance. Last evaluated: 2022-04-20. Review status: criteria provided, single submitter. Criteria: Invitae Variant Classification Sherloc (09022015). Collection method: clinical testing. Allele origin: germline.
Comment: This sequence change affects a donor splice site in intron 11 of the SLC2A9 gene. While this variant is not anticipated to result in nonsense mediated decay, it likely alters RNA splicing and results in a disrupted protein product. This variant is present in population databases (no rsID available, gnomAD 0.0009%). Disruption of this splice site has been observed in individual(s) with renal hypouricemia (PMID: 25296721). Variants that disrupt the consensus splice site are a relatively common cause of aberrant splicing (PMID: 17576681, 9536098). Algorithms developed to predict the effect of sequence changes on RNA splicing suggest that this variant may disrupt the consensus splice site. In summary, the available evidence is currently insufficient to determine the role of this variant in disease. Therefore, it has been classified as a Variant of Uncertain Significance.

Literature cited by the submitters: PubMed 25296721; PubMed 17576681; PubMed 9536098.

NM_020041.3(SLC2A9):c.1419+1G>A

Gene: SLC2A9 (solute carrier family 2 member 9; minus strand). Cytogenetic location: 4p16.1.
Variant type: single nucleotide variant.
Coding change: c.1419+1G>A on transcript NM_020041.3 (MANE Select); the canonical splice donor site of the intron after coding-DNA position 1419, G replaced by A.
Molecular consequence: splice donor variant.
Genome position (GRCh38, 1-based): chr4:9,834,880, C>T on the plus strand (G>A on the coding strand, the complement: SLC2A9 is on the minus strand). VCF-style: chr4-9834880-C-T. GRCh37 (hg19) VCF-style: chr4-9836504-C-T.
Other names: c.1332+1G>A (NM_001001290.2).
Identifiers: ClinVar variation 2203533 (VCV002203533.1), dbSNP rs930099562, ClinGen allele CA92416008.